The following is an entry in ClinVar:

NM_133372.3(FNIP1):c.1796A>G (p.Glu599Gly)

Gene: FNIP1 (folliculin interacting protein 1; minus strand). Cytogenetic location: 5q31.1.
Variant type: single nucleotide variant.
Coding change: c.1796A>G on transcript NM_133372.3 (MANE Select); coding-DNA position 1796, A replaced by G.
Protein change: p.Glu599Gly; replaces glutamic acid 599 with glycine.
Molecular consequence: missense variant.
Genome position (GRCh38, 1-based): chr5:131,672,648, T>C on the plus strand (A>G on the coding strand, the complement: FNIP1 is on the minus strand). VCF-style: chr5-131672648-T-C. GRCh37 (hg19) VCF-style: chr5-131008341-T-C.
Other names: c.1712A>G, p.Glu571Gly (NM_001008738.3); c.1661A>G, p.Glu554Gly (NM_001346114.2); short protein forms E554G, E571G, E599G.
Identifiers: ClinVar variation 1941185 (VCV001941185.5), dbSNP rs1767798364, ClinGen allele CA360793255.

ClinVar aggregate classification (germline): Uncertain significance (1 of 4 stars; one submission).

Allele frequency attached by ClinVar (database versions not stated): gnomAD exomes below 0.00001; TOPMed below 0.00001.
gnomAD v4.1: 1 of 1,614,220 alleles (0.000062%); highest among the groups gnomAD compares: Non-Finnish European, 0.000085%; no homozygotes.

Submission:

Labcorp Genetics (formerly Invitae), Labcorp
Classification: Uncertain significance. Last evaluated: 2022-07-14. Review status: criteria provided, single submitter. Criteria: Invitae Variant Classification Sherloc (09022015). Collection method: clinical testing. Allele origin: germline.
Comment: This sequence change replaces glutamic acid, which is acidic and polar, with glycine, which is neutral and non-polar, at codon 599 of the FNIP1 protein (p.Glu599Gly). In summary, the available evidence is currently insufficient to determine the role of this variant in disease. Therefore, it has been classified as a Variant of Uncertain Significance. Algorithms developed to predict the effect of missense changes on protein structure and function (SIFT, PolyPhen-2, Align-GVGD) all suggest that this variant is likely to be tolerated. This variant has not been reported in the literature in individuals affected with FNIP1-related conditions. This variant is not present in population databases (gnomAD no frequency).